The following is an entry in ClinVar:

ClinVar aggregate classification (germline): Uncertain significance (1 of 4 stars; one submission).

Allele frequency attached by ClinVar (database versions not stated): TOPMed 0.00003; gnomAD 0.00005 and 0.00006; gnomAD exomes 0.00006; ESP Exome Variant Server 0.00008; ExAC 0.00009.
gnomAD v4.1: 76 of 1,613,240 alleles (0.0047%); highest among the groups gnomAD compares: African/African-American, 0.008%; no homozygotes.

Submission:

Labcorp Genetics (formerly Invitae), Labcorp
Classification: Uncertain significance. Last evaluated: 2022-02-20. Review status: criteria provided, single submitter. Criteria: Invitae Variant Classification Sherloc (09022015). Collection method: clinical testing. Allele origin: germline.
Comment: In summary, the available evidence is currently insufficient to determine the role of this variant in disease. Therefore, it has been classified as a Variant of Uncertain Significance. This sequence change replaces threonine, which is neutral and polar, with methionine, which is neutral and non-polar, at codon 122 of the CNGB1 protein (p.Thr122Met). This variant is present in population databases (rs371879981, gnomAD 0.01%). This variant has not been reported in the literature in individuals affected with CNGB1-related conditions. ClinVar contains an entry for this variant (Variation ID: 856536). Advanced modeling of protein sequence and biophysical properties (such as structural, functional, and spatial information, amino acid conservation, physicochemical variation, residue mobility, and thermodynamic stability) performed at Invitae indicates that this missense variant is not expected to disrupt CNGB1 protein function.

NM_001297.5(CNGB1):c.365C>T (p.Thr122Met)

Gene: CNGB1 (cyclic nucleotide gated channel subunit beta 1; minus strand). Cytogenetic location: 16q21.
Variant type: single nucleotide variant.
Coding change: c.365C>T on transcript NM_001297.5 (MANE Select); coding-DNA position 365, C replaced by T.
Protein change: p.Thr122Met; replaces threonine 122 with methionine.
Molecular consequence: missense variant.
Genome position (GRCh38, 1-based): chr16:57,962,990, G>A on the plus strand (C>T on the coding strand, the complement: CNGB1 is on the minus strand). VCF-style: chr16-57962990-G-A. GRCh37 (hg19) VCF-style: chr16-57996894-G-A.
Other names: c.365C>T, p.Thr122Met (NM_001135639.2, NM_001286130.2); short protein forms T122M.
Identifiers: ClinVar variation 856536 (VCV000856536.8), dbSNP rs371879981, ClinGen allele CA8083883.